The following is an entry in ClinVar:

ClinVar aggregate classification (germline): Pathogenic (1 of 4 stars; one submission).

Submission:

Labcorp Genetics (formerly Invitae), Labcorp
Classification: Pathogenic. Last evaluated: 2023-05-22. Review status: criteria provided, single submitter. Criteria: Invitae Variant Classification Sherloc (09022015). Collection method: clinical testing. Allele origin: germline.
Comment: For these reasons, this variant has been classified as Pathogenic. This variant disrupts a region of the HPS4 protein in which other variant(s) (p.Pro685Leufs*17) have been determined to be pathogenic (PMID: 15108212, 30990103). This suggests that this is a clinically significant region of the protein, and that variants that disrupt it are likely to be disease-causing. Algorithms developed to predict the effect of sequence changes on RNA splicing suggest that this variant may disrupt the consensus splice site. This variant has not been reported in the literature in individuals affected with HPS4-related conditions. This variant is not present in population databases (gnomAD no frequency). This sequence change creates a premature translational stop signal (p.Leu635Profs*4) in the HPS4 gene. While this is not anticipated to result in nonsense mediated decay, it is expected to disrupt the last 74 amino acid(s) of the HPS4 protein.

Literature cited by the submitters: PubMed 15108212; PubMed 30990103.

NM_022081.6(HPS4):c.1903dup (p.Leu635fs)

Gene: HPS4 (HPS4 biogenesis of lysosomal organelles complex 3 subunit 2; minus strand). Cytogenetic location: 22q12.1.
Variant type: Duplication.
Coding change: c.1903dup on transcript NM_022081.6 (MANE Select); coding-DNA position 1903, one base duplicated (C; older notation c.1903dupC).
Protein change: p.Leu635fs; shifts the reading frame from leucine 635.
Molecular consequence: frameshift variant. On other transcripts: non-coding transcript variant (8), intron variant (2).
Genome position (GRCh38, 1-based): chr22:26,457,911, G duplicated on the plus strand (C on the coding strand, the reverse complement: HPS4 is on the minus strand); the first of 2 consecutive G bases (chr22:26,457,911-26,457,912); duplicating either gives the same sequence. VCF-style (leftmost placement, unchanged base first): chr22-26457910-A-AG. GRCh37 (hg19) VCF-style: chr22-26853876-A-AG.
Other names: c.1903dup, p.Leu635fs (NM_001349896.1, NM_001349898.2, NM_001349899.2 and 3 more transcripts); c.1957dup, p.Leu653fs (NM_001349900.2, NM_001349901.1); c.1888dup, p.Leu630fs (NM_152841.2); c.1714-4507dup (NM_001349902.1, NM_001349903.2); short protein forms L653fs, L630fs, L635fs.
Identifiers: ClinVar variation 2867045 (VCV002867045.3), dbSNP rs2518038428, ClinGen allele CA2739265639.